The following is an entry in ClinVar:

NM_001058.4(TACR1):c.757G>A (p.Val253Met)

Gene: TACR1 (tachykinin receptor 1; minus strand). Cytogenetic location: 2p12.
Variant type: single nucleotide variant.
Coding change: c.757G>A on transcript NM_001058.4 (MANE Select); coding-DNA position 757, G replaced by A.
Protein change: p.Val253Met; replaces valine 253 with methionine.
Molecular consequence: missense variant.
Genome position (GRCh38, 1-based): chr2:75,051,426, C>T on the plus strand (G>A on the coding strand, the complement: TACR1 is on the minus strand). VCF-style: chr2-75051426-C-T. GRCh37 (hg19) VCF-style: chr2-75278553-C-T.
Other names: c.757G>A, p.Val253Met (NM_015727.3); short protein forms V253M.
Identifiers: ClinVar variation 3354799 (VCV003354799.1).

ClinVar aggregate classification (germline): Likely benign (0 of 4 stars; one submission).

Conditions:
TACR1-related disorder. Also called: TACR1-related condition.

gnomAD v4.1: 1,751 of 1,614,040 alleles (0.11%); highest among the groups gnomAD compares: Non-Finnish European, 0.12%; 2 homozygotes.

Submission:

PreventionGenetics, part of Exact Sciences
Classification: Likely benign for TACR1-related condition. Last evaluated: 2024-05-02. Review status: no assertion criteria provided. Collection method: clinical testing. Allele origin: germline.
Comment: This variant is classified as likely benign based on ACMG/AMP sequence variant interpretation guidelines (Richards et al. 2015 PMID: 25741868, with internal and published modifications).